The following is an entry in ClinVar:

ClinVar aggregate classification (germline): Uncertain significance. Review status: criteria provided, multiple submitters, no conflicts (2 of 4 stars). 3 submissions from 3 submitters: Uncertain significance (3). Last evaluated 2026-06-01.

Conditions:
Intellectual disability-facial dysmorphism syndrome due to SETD5 haploinsufficiency (MRD23). Also called: Intellectual developmental disorder, autosomal dominant 23. Identifiers: Orphanet 404440, MedGen C3810406, MONDO:0014336, OMIM 615761.

Allele frequency attached by ClinVar (database versions not stated): ExAC 0.00001; gnomAD 0.00001; gnomAD exomes 0.00001.
gnomAD v4.1: 9 of 1,584,164 alleles (0.00057%); highest among the groups gnomAD compares: Admixed American, 0.002%; no homozygotes.

Submissions (3):

CeGaT Center for Human Genetics Tuebingen
Classification: Uncertain significance. Last evaluated: 2026-06-01. Review status: criteria provided, single submitter. Criteria: CeGaT Center For Human Genetics Tuebingen Variant Classification Criteria Version 2. Collection method: clinical testing. Allele origin: germline. Affected: yes. Observed: 1 variant allele.
Comment: SETD5: PM2, PP3

Department of Genetics, Rouen University Hospital, Normandy Center for Genomic and Personalized Medicine
Classification: Uncertain significance for Intellectual disability-facial dysmorphism syndrome due to SETD5 haploinsufficiency. Last evaluated: 2024-04-23. Review status: criteria provided, single submitter. Criteria: ACMG Guidelines, 2015. Collection method: clinical testing. Allele origin: maternal. Affected: yes.

Labcorp Genetics (formerly Invitae), Labcorp
Classification: Uncertain significance. Last evaluated: 2024-01-21. Review status: criteria provided, single submitter. Criteria: Invitae Variant Classification Sherloc (09022015). Collection method: clinical testing. Allele origin: germline.
Comment: This sequence change replaces arginine, which is basic and polar, with cysteine, which is neutral and slightly polar, at codon 783 of the SETD5 protein (p.Arg783Cys). The frequency data for this variant in the population databases is considered unreliable, as metrics indicate poor data quality at this position in the gnomAD database. This missense change has been observed in individual(s) with clinical features of SETD5-related condition (Invitae). An algorithm developed to predict the effect of missense changes on protein structure and function (PolyPhen-2) suggests that this variant is likely to be disruptive. In summary, the available evidence is currently insufficient to determine the role of this variant in disease. Therefore, it has been classified as a Variant of Uncertain Significance.

NM_001080517.3(SETD5):c.2347C>T (p.Arg783Cys)

Gene: SETD5 (SET domain containing 5; plus strand). Cytogenetic location: 3p25.3.
Variant type: single nucleotide variant.
Coding change: c.2347C>T on transcript NM_001080517.3 (MANE Select); coding-DNA position 2347, C replaced by T.
Protein change: p.Arg783Cys; replaces arginine 783 with cysteine.
Molecular consequence: missense variant.
Genome position (GRCh38, 1-based): chr3:9,453,739, C>T. VCF-style: chr3-9453739-C-T. GRCh37 (hg19) VCF-style: chr3-9495423-C-T.
Other names: c.2053C>T, p.Arg685Cys (NM_001292043.2, NM_001349451.2); short protein forms R685C, R783C.
Identifiers: ClinVar variation 2955873 (VCV002955873.6), dbSNP rs752026901, ClinGen allele CA2239432.